The following is an entry in ClinVar:

NM_004982.4(KCNJ8):c.189C>T (p.Thr63=)

Genes: KCNJ8 (potassium inwardly rectifying channel subfamily J member 8; minus strand), KCNJ8-AS1 (KCNJ8 antisense RNA 1; plus strand). Cytogenetic location: 12p12.1.
Variant type: single nucleotide variant.
Coding change: c.189C>T on transcript NM_004982.4 (MANE Select); coding-DNA position 189, C replaced by T.
Protein change: p.Thr63=; no amino-acid change (threonine 63 retained).
Molecular consequence: synonymous variant.
Genome position (GRCh38, 1-based): chr12:21,773,428, G>A on the plus strand (C>T on the coding strand, the complement: KCNJ8 is on the minus strand). VCF-style: chr12-21773428-G-A. GRCh37 (hg19) VCF-style: chr12-21926362-G-A.
Identifiers: ClinVar variation 511645 (VCV000511645.5), dbSNP rs375355931, ClinGen allele CA6480723.

ClinVar aggregate classification (germline): Likely benign. Review status: criteria provided, multiple submitters, no conflicts (2 of 4 stars). 3 submissions from 3 submitters: Likely benign (3). Last evaluated 2025-06-04.

Conditions:
Cardiovascular phenotype. Identifiers: MedGen CN230736.
Brugada syndrome. Also called: Sudden Unexplained Death Syndrome; Sudden Unexplained Nocturnal Death Syndrome (SUNDS); Sudden unexplained nocturnal death syndrome; Sudden unexpected nocturnal death syndrome. Identifiers: Orphanet 130, MedGen C1142166, MONDO:0015263.

Allele frequency attached by ClinVar (database versions not stated): gnomAD exomes below 0.00001 and 0.00001; ExAC 0.00001; gnomAD 0.00002; TOPMed 0.00002; ESP Exome Variant Server 0.00008.

Submissions (3):

Labcorp Genetics (formerly Invitae), Labcorp
Classification: Likely benign for Brugada syndrome. Last evaluated: 2025-06-04. Review status: criteria provided, single submitter. Criteria: Invitae Variant Classification Sherloc (09022015). Collection method: clinical testing. Allele origin: germline.

Ambry Genetics
Classification: Likely benign for Cardiovascular phenotype. Last evaluated: 2025-03-31. Review status: criteria provided, single submitter. Criteria: Ambry Variant Classification Scheme 2023. Collection method: clinical testing. Allele origin: germline.

GeneDx
Classification: Likely benign. Last evaluated: 2017-08-23. Review status: criteria provided, single submitter. Criteria: GeneDx Variant Classification (06012015). Collection method: clinical testing. Allele origin: germline. Affected: yes.
Comment: This variant is considered likely benign or benign based on one or more of the following criteria: it is a conservative change, it occurs at a poorly conserved position in the protein, it is predicted to be benign by multiple in silico algorithms, and/or has population frequency not consistent with disease.